The following is an entry in ClinVar:

NC_000023.10:g.(?_32583799)_(32717430_?)del

Gene: DMD (dystrophin; minus strand). Cytogenetic location: Xp21.1.
Variant type: Deletion.
Identifiers: ClinVar variation 3248483 (VCV003248483.1).

ClinVar aggregate classification (germline): Pathogenic (1 of 4 stars; one submission).

Conditions:
Duchenne muscular dystrophy (DMD). Also called: MUSCULAR DYSTROPHY, PSEUDOHYPERTROPHIC PROGRESSIVE, DUCHENNE TYPE; Duchenne Muscular Dystrophy (DMD). Identifiers: Orphanet 98896, MedGen C0013264, MONDO:0010679, OMIM 310200.

Submission:

Labcorp Genetics (formerly Invitae), Labcorp
Classification: Pathogenic for Duchenne muscular dystrophy. Last evaluated: 2023-06-19. Review status: criteria provided, single submitter. Criteria: Invitae Variant Classification Sherloc (09022015). Collection method: clinical testing. Allele origin: unknown.
Comment: For these reasons, this variant has been classified as Pathogenic. A similar copy number variant has been observed in individual(s) with Duchenne muscular dystrophy (PMID: 9800909, 25076844). In at least one individual the variant was observed to be de novo. This variant is a gross deletion of the genomic region encompassing exon(s) 8-16 of the DMD gene. This deletion is out-of-frame, and is expected to create a premature termination codon and result in an absent or disrupted protein product. Loss-of-function variants in DMD are known to be pathogenic (PMID: 16770791, 25007885).

Literature cited by the submitters: PubMed 9800909; PubMed 25076844; PubMed 16770791; PubMed 25007885.